The following is an entry in ClinVar:

ClinVar aggregate classification (germline): Uncertain significance (1 of 4 stars; one submission).

Allele frequency attached by ClinVar (database versions not stated): TOPMed below 0.00001; gnomAD 0.00004; gnomAD exomes 0.00004 and 0.00008; ExAC 0.00011; 1000 Genomes Project 30x 0.00031; 1000 Genomes Project 0.00040.
gnomAD v4.1: 67 of 1,588,904 alleles (0.0042%); highest among the groups gnomAD compares: South Asian, 0.07%; no homozygotes.

Submission:

Labcorp Genetics (formerly Invitae), Labcorp
Classification: Uncertain significance. Last evaluated: 2024-01-08. Review status: criteria provided, single submitter. Criteria: Invitae Variant Classification Sherloc (09022015). Collection method: clinical testing. Allele origin: germline.
Comment: This sequence change replaces isoleucine, which is neutral and non-polar, with methionine, which is neutral and non-polar, at codon 1376 of the ERBIN protein (p.Ile1376Met). This variant is present in population databases (rs541038973, gnomAD 0.06%), and has an allele count higher than expected for a pathogenic variant. This variant has not been reported in the literature in individuals affected with ERBIN-related conditions. ClinVar contains an entry for this variant (Variation ID: 1490190). An algorithm developed to predict the effect of missense changes on protein structure and function (PolyPhen-2) suggests that this variant is likely to be disruptive. In summary, the available evidence is currently insufficient to determine the role of this variant in disease. Therefore, it has been classified as a Variant of Uncertain Significance.

NM_001253697.2(ERBIN):c.4128T>G (p.Ile1376Met)

Gene: ERBIN (erbb2 interacting protein; plus strand). Cytogenetic location: 5q12.3.
Variant type: single nucleotide variant.
Coding change: c.4128T>G on transcript NM_001253697.2 (MANE Select); coding-DNA position 4128, T replaced by G.
Protein change: p.Ile1376Met; replaces isoleucine 1376 with methionine.
Molecular consequence: missense variant. On other transcripts: intron variant (1).
Genome position (GRCh38, 1-based): chr5:66,076,946, T>G. VCF-style: chr5-66076946-T-G. GRCh37 (hg19) VCF-style: chr5-65372774-T-G.
Other names: c.3798T>G, p.Ile1266Met (NM_001006600.3); c.4149T>G, p.Ile1383Met (NM_001253699.2); c.3993T>G, p.Ile1331Met (NM_001253701.2); c.4005T>G, p.Ile1335Met (NM_018695.4); c.3933+538T>G (NM_001253698.2); short protein forms I1331M, I1266M, I1335M, I1376M, I1383M.
Identifiers: ClinVar variation 1490190 (VCV001490190.6), dbSNP rs541038973, ClinGen allele CA3286811.